The following is an entry in ClinVar:

ClinVar aggregate classification (germline): Conflicting classifications of pathogenicity. Review status: criteria provided, conflicting classifications (1 of 4 stars). 2 submissions from 2 submitters: Uncertain significance (1); Likely benign (1). Last evaluated 2026-04-01.

Conditions:
Gorlin syndrome. Also called: Nevoid Basal Cell Carcinoma Syndrome; Basal cell nevus syndrome. Identifiers: Orphanet 377, MedGen C0004779, MONDO:0007187.

Submissions (2):

Dasa
Classification: Uncertain significance. Last evaluated: 2026-04-01. Review status: criteria provided, single submitter. Criteria: DASA Assertion Criteria. Collection method: clinical testing. Allele origin: germline.
Comment: NM_000264.5(PTCH1):c.585-11_585-7del affects a canonical splice site and is predicted to disrupt normal RNA splicing, leading to loss of normal protein function. Loss-of-function is an established mechanism of disease for this gene. The variant is present at low frequency in population datasets. Based on the available data, this variant is classified as variant of uncertain significance.

Labcorp Genetics (formerly Invitae), Labcorp
Classification: Likely benign for Gorlin syndrome. Last evaluated: 2025-07-30. Review status: criteria provided, single submitter. Criteria: Invitae Variant Classification Sherloc (09022015). Collection method: clinical testing. Allele origin: germline.

NM_000264.5(PTCH1):c.585-11_585-7del

Gene: PTCH1 (patched 1; minus strand). Cytogenetic location: 9q22.32.
Variant type: Deletion.
Coding change: c.585-11_585-7del on transcript NM_000264.5 (MANE Select); 11 bases into the intron before coding-DNA position 585 through 7 bases into the intron before coding-DNA position 585, 5 bases deleted (CATTT; older notation c.585-11_585-7delCATTT).
Molecular consequence: intron variant.
Genome position (GRCh38, 1-based): chr9:95,482,210-95,482,214, AAATG deleted on the plus strand (CATTT on the coding strand, the reverse complement: PTCH1 is on the minus strand); deleting any 5 consecutive bases within chr9:95,482,210-95,482,217 gives the same sequence; the c. name uses the placement nearest the transcript's 3' end. VCF-style (leftmost placement, unchanged base first): chr9-95482209-AAAATG-A. GRCh37 (hg19) VCF-style: chr9-98244491-AAAATG-A.
Other names: c.582-11_582-7del (NM_001083603.3); c.387-11_387-7del (NM_001083602.3, NM_001354919.2); c.585-11_585-7del (NM_001354918.2); c.132-11_132-7del (NM_001083605.3, NM_001083604.3, NM_001083606.3 and 1 more transcripts).
Identifiers: ClinVar variation 763466 (VCV000763466.10), dbSNP rs1588614760, ClinGen allele CA915947085.
Genomic context (GRCh38, chr9:95,482,209, plus strand): 5'-TGTTTCTGTGATAAGCTCTCCTGATTTGTAACACAAATGTTCCAATTTCCACTGCCTAAT[AAAATG>A]AAAAGCAGAGACAAAAATTTCTCACTGTAATAAGAAAATTAGTGCAAATTCGAAATGATA-3'